The following is an entry in ClinVar:

ClinVar aggregate classification (germline): Likely pathogenic (1 of 4 stars; one submission).

Conditions:
MIP-related disorder. Also called: MIP-related condition.

Submission:

PreventionGenetics, part of Exact Sciences
Classification: Likely pathogenic for MIP-related condition. Last evaluated: 2026-05-22. Review status: criteria provided, single submitter. Criteria: ACMG Guidelines, 2015. Collection method: clinical testing. Allele origin: germline.
Comment: The MIP c.513_525+13del26 variant is predicted to result in a deletion affecting a canonical splice site. To our knowledge, this variant has not been reported in the literature or in a large population database (gnomAD), indicating this variant is rare. Variants that disrupt the consensus splice donor site in MIP are expected to be pathogenic. This variant is interpreted as likely pathogenic.

NM_012064.4(MIP):c.513_525+13del

Gene: MIP (major intrinsic protein of lens fiber; minus strand). Cytogenetic location: 12q13.3.
Variant type: Deletion.
Coding change: c.513_525+13del on transcript NM_012064.4 (MANE Select); coding-DNA position 513 through 13 bases into the intron after coding-DNA position 525, 26 bases deleted (GCACCTCTTTGGGGTAAGCAGGAAGG).
Molecular consequence: splice donor variant.
Genome position (GRCh38, 1-based): chr12:56,453,578-56,453,603, CCTTCCTGCTTACCCCAAAGAGGTGC deleted on the plus strand (GCACCTCTTTGGGGTAAGCAGGAAGG on the coding strand, the reverse complement: MIP is on the minus strand); deleting any 26 consecutive bases within chr12:56,453,578-56,453,605 gives the same sequence; the c. name uses the placement nearest the transcript's 3' end. VCF-style (leftmost placement, unchanged base first): chr12-56453577-TCCTTCCTGCTTACCCCAAAGAGGTGC-T. GRCh37 (hg19) VCF-style: chr12-56847361-TCCTTCCTGCTTACCCCAAAGAGGTGC-T.
Identifiers: ClinVar variation 4994453 (VCV004994453.1).
Genomic context (GRCh38, chr12:56,453,577, plus strand): 5'-GAACCCTTAAAAGTTGGGAAAGGTTTAGGGGCCCCGGAATCCTTGAATGAGAAGTTGCTC[TCCTTCCTGCTTACCCCAAAGAGGTGC>T]CCCAGGGCAAGGGAGAAGCCAACGGCCAGGGCCACGGAGCCCAGTTGGCCATTCCGCCTC-3'